The following is an entry in ClinVar:

NM_001378454.1(ALMS1):c.3838_4122del (p.Ala1280_Pro1374del)

Gene: ALMS1 (ALMS1 centrosome and basal body associated protein; plus strand). Cytogenetic location: 2p13.1.
Variant type: Deletion.
Coding change: c.3838_4122del on transcript NM_001378454.1 (MANE Select); coding-DNA positions 3838 to 4122, 285 bases deleted.
Protein change: p.Ala1280_Pro1374del.
Molecular consequence: inframe deletion.
Genome position (GRCh38, 1-based): chr2:73,450,365-73,450,649, 285 bases deleted. GRCh37 (hg19): chr2:73,677,492-73,677,776.
Other names: c.3841_4125del, p.Ala1281_Pro1375del (NM_015120.4).
Identifiers: ClinVar variation 1497439 (VCV001497439.5), dbSNP rs2103780150, ClinGen allele CA2573135767.

ClinVar aggregate classification (germline): Uncertain significance (1 of 4 stars; one submission).

Conditions:
Alstrom syndrome (ALMS). Identifiers: Orphanet 64, MedGen C0268425, MONDO:0008763, OMIM 203800.

Submission:

Labcorp Genetics (formerly Invitae), Labcorp
Classification: Uncertain significance for Alstrom syndrome. Last evaluated: 2024-10-25. Review status: criteria provided, single submitter. Criteria: Invitae Variant Classification Sherloc (09022015). Collection method: clinical testing. Allele origin: germline.
Comment: This variant, c.3841_4125del, results in the deletion of 95 amino acid(s) of the ALMS1 protein (p.Ala1281_Pro1375del), but otherwise preserves the integrity of the reading frame. This variant is not present in population databases (gnomAD no frequency). This variant has not been reported in the literature in individuals affected with ALMS1-related conditions. ClinVar contains an entry for this variant (Variation ID: 1497439). Experimental studies and prediction algorithms are not available or were not evaluated, and the functional significance of this variant is currently unknown. In summary, the available evidence is currently insufficient to determine the role of this variant in disease. Therefore, it has been classified as a Variant of Uncertain Significance.